The following is an entry in ClinVar:

NM_212552.3(BOLA3):c.319C>T (p.Arg107Cys)

Gene: BOLA3 (bolA family member 3; minus strand). Cytogenetic location: 2p13.1.
Variant type: single nucleotide variant.
Coding change: c.319C>T on transcript NM_212552.3 (MANE Select); coding-DNA position 319, C replaced by T.
Protein change: p.Arg107Cys; replaces arginine 107 with cysteine.
Molecular consequence: missense variant.
Genome position (GRCh38, 1-based): chr2:74,135,598, G>A on the plus strand (C>T on the coding strand, the complement: BOLA3 is on the minus strand). VCF-style: chr2-74135598-G-A. GRCh37 (hg19) VCF-style: chr2-74362725-G-A.
Other names: p.R107C:CGC>TGC; p.Arg107Cys; c.230C>T, p.Thr77Met (NM_001035505.2); short protein forms R107C, T77M.
Identifiers: ClinVar variation 214170 (VCV000214170.14), dbSNP rs150626228, ClinGen allele CA320828.

ClinVar aggregate classification (germline): Conflicting classifications of pathogenicity. Review status: criteria provided, conflicting classifications (1 of 4 stars). 5 submissions from 5 submitters: Uncertain significance (1); Likely benign (3). 1 of the submissions does not count toward it. Last evaluated 2025-11-11.

Conditions:
Multiple mitochondrial dysfunctions syndrome 2 (MMDS2). Also called: MULTIPLE MITOCHONDRIAL DYSFUNCTIONS SYNDROME 2 WITH HYPERGLYCINEMIA. Identifiers: Orphanet 401874, MedGen C3280378, MONDO:0013675, OMIM 614299.
BOLA3-related disorder. Also called: BOLA3-related condition.

Allele frequency attached by ClinVar (database versions not stated): TOPMed 0.00041; gnomAD 0.00045 and 0.00046; gnomAD exomes 0.00060 and 0.00066; ESP Exome Variant Server 0.00069; ExAC 0.00070.
gnomAD v4.1: 1,015 of 1,614,118 alleles (0.063%); highest among the groups gnomAD compares: Non-Finnish European, 0.071%; 2 homozygotes.

Submissions (5):

Labcorp Genetics (formerly Invitae), Labcorp
Classification: Likely benign. Last evaluated: 2025-11-11. Review status: criteria provided, single submitter. Criteria: Invitae Variant Classification Sherloc (09022015). Collection method: clinical testing. Allele origin: germline.

Mayo Clinic Laboratories, Mayo Clinic
Classification: Likely benign. Last evaluated: 2025-06-17. Review status: criteria provided, single submitter. Criteria: ACMG Guidelines, 2015. Collection method: clinical testing. Allele origin: germline. Observed: 2 variant alleles.
Comment: BS1, BP4

GeneDx
Classification: Likely benign. Last evaluated: 2019-07-12. Review status: criteria provided, single submitter. Criteria: GeneDx Variant Classification Process June 2021. Collection method: clinical testing. Allele origin: germline. Affected: yes.

Illumina Laboratory Services, Illumina
Classification: Uncertain significance for Multiple mitochondrial dysfunctions syndrome 2. Last evaluated: 2018-01-12. Review status: criteria provided, single submitter. Criteria: ICSL Variant Classification Criteria 13 December 2019. Collection method: clinical testing. Allele origin: germline.

PreventionGenetics, part of Exact Sciences
Classification: Likely benign for BOLA3-related condition. Last evaluated: 2022-01-31. Review status: no assertion criteria provided. Collection method: clinical testing. Allele origin: germline. Not counted in ClinVar's aggregate classification.
Comment: This variant is classified as likely benign based on ACMG/AMP sequence variant interpretation guidelines (Richards et al. 2015 PMID: 25741868, with internal and published modifications).